The following is an entry in ClinVar:

ClinVar aggregate classification (germline): Pathogenic (1 of 4 stars; one submission).

Conditions:
Paragangliomas with sensorineural hearing loss. Identifiers: MedGen C1868633.
Pheochromocytoma. Also called: MAX-Related Hereditary Paraganglioma-Pheochromocytoma Syndrome. Identifiers: Orphanet 29072, MedGen C0031511, MONDO:0008233, OMIM 171300, HP:0002666.
Cowden syndrome 3 (CWS3). Identifiers: Orphanet 201, MedGen CN166604, MONDO:0014045.
Carney-Stratakis syndrome. Also called: PARAGANGLIOMA AND GASTROINTESTINAL STROMAL TUMOR. Identifiers: Orphanet 97286, MedGen C1847319, MONDO:0011740, OMIM 606864.

Submission:

Labcorp Genetics (formerly Invitae), Labcorp
Classification: Pathogenic for Carney-Stratakis syndrome; Paragangliomas with sensorineural hearing loss; Pheochromocytoma; Cowden syndrome 3. Last evaluated: 2021-08-12. Review status: criteria provided, single submitter. Criteria: Invitae Variant Classification Sherloc (09022015). Collection method: clinical testing. Allele origin: germline.
Comment: This variant is a gross deletion of the genomic region encompassing exon(s) 3-4 of the SDHD gene, which includes the termination codon. This deletion extends beyond the assayed region for this gene and therefore may encompass additional genes. While this deletion is not anticipated to lead to nonsense mediated decay, it is expected to alter mRNA translation or result in a truncated protein product. A similar copy number variant has been observed in individual(s) with paragangliomas and have been determined to be pathogenic (PMID: 11897817, 19454582, 20111059, 22382802, 25720320; Invitae). The region of the SDHD gene that includes exon(s) 4 has been determined to be clinically significant (PMID: 11897817, 19454582, 20111059, 22382802, 25720320; Invitae). Therefore, deletions that encompass that region are likely to be disease-causing. For these reasons, this variant has been classified as Pathogenic.

Literature cited by the submitters: PubMed 11897817; PubMed 19454582; PubMed 20111059; PubMed 22382802; PubMed 25720320.

NC_000011.9:g.(?_111959581)_(111965694_?)del

Gene: SDHD (succinate dehydrogenase complex subunit D; plus strand). Cytogenetic location: 11q23.1.
Variant type: Deletion.
Identifiers: ClinVar variation 1458129 (VCV001458129.6).